The following is an entry in ClinVar:

ClinVar aggregate classification (germline): Uncertain significance (1 of 4 stars; one submission).

Conditions:
Diamond-Blackfan anemia. Also called: Aase syndrome; Blackfan Diamond syndrome; Aregenerative anemia chronic congenital; Red cell aplasia, pure hereditary; Congenital hypoplastic anemia. Identifiers: Orphanet 124, MedGen C1260899, MeSH D029503, MONDO:0015253, HP:0004810.

Submission:

Labcorp Genetics (formerly Invitae), Labcorp
Classification: Uncertain significance for Diamond-Blackfan anemia. Last evaluated: 2020-09-13. Review status: criteria provided, single submitter. Criteria: Invitae Variant Classification Sherloc (09022015). Collection method: clinical testing. Allele origin: germline.
Comment: In summary, the available evidence is currently insufficient to determine the role of this variant in disease. Therefore, it has been classified as a Variant of Uncertain Significance. Experimental studies and prediction algorithms are not available or were not evaluated, and the functional significance of this variant is currently unknown. This variant has not been reported in the literature in individuals with RPS24-related conditions. This variant is not present in population databases (ExAC no frequency). This variant, c.352_354del, results in the deletion of 1 amino acid(s) of the RPS24 protein (p.Arg118del), but otherwise preserves the integrity of the reading frame.

NM_033022.4(RPS24):c.352_354del (p.Arg118del)

Gene: RPS24 (ribosomal protein S24; plus strand). Cytogenetic location: 10q22.3.
Variant type: Deletion.
Coding change: c.352_354del on transcript NM_033022.4 (MANE Select); coding-DNA positions 352 to 354, 3 bases deleted (AGG; older notation c.352_354delAGG).
Protein change: p.Arg118del; deletes arginine 118.
Molecular consequence: inframe deletion.
Genome position (GRCh38, 1-based): chr10:78,037,266-78,037,268, AGG deleted. VCF-style (leftmost placement, unchanged base first): chr10-78037265-CAGG-C. GRCh37 (hg19) VCF-style: chr10-79797023-CAGG-C.
Other names: c.352_354del, p.Arg118del (NM_001026.5, NM_001142282.2, NM_001142283.2 and 2 more transcripts); short protein forms R118del.
Identifiers: ClinVar variation 1045212 (VCV001045212.9), dbSNP rs1847891159, ClinGen allele CA1921524197.